The following is an entry in ClinVar:

ClinVar aggregate classification (germline): Pathogenic. Review status: criteria provided, multiple submitters, no conflicts (2 of 4 stars). 2 submissions from 2 submitters: Pathogenic (2). Last evaluated 2025-05-27.

Conditions:
Cardiovascular phenotype. Identifiers: MedGen CN230736.
Telangiectasia, hereditary hemorrhagic, type 2 (HHT2). Also called: Telangiectasia, hereditary hemorrhagic, type II; ACVRL1-Related Hereditary Hemorrhagic Telangiectasia. Identifiers: Orphanet 774, MedGen C1838163, MONDO:0010880, OMIM 600376. Disease mechanism: loss of function.

Submissions (2):

Labcorp Genetics (formerly Invitae), Labcorp
Classification: Pathogenic for Telangiectasia, hereditary hemorrhagic, type 2. Last evaluated: 2025-05-27. Review status: criteria provided, single submitter. Criteria: Invitae Variant Classification Sherloc (09022015). Collection method: clinical testing. Allele origin: germline.
Comment: This sequence change replaces cysteine, which is neutral and slightly polar, with tryptophan, which is neutral and slightly polar, at codon 90 of the ACVRL1 protein (p.Cys90Trp). This variant is not present in population databases (gnomAD no frequency). This missense change has been observed in individual(s) with clinical features of hereditary hemorrhagic telangiectasia (PMID: 24196379; internal data). ClinVar contains an entry for this variant (Variation ID: 1795042). Invitae Evidence Modeling of protein sequence and biophysical properties (such as structural, functional, and spatial information, amino acid conservation, physicochemical variation, residue mobility, and thermodynamic stability) indicates that this missense variant is expected to disrupt ACVRL1 protein function with a positive predictive value of 95%. This variant affects a cysteine residue located within the ACVRL1 protein ectodomain. Cysteine residues in this domain of ACVRL1 are involved in the formation of disulfide bridges critical for protein structure and stability (PMID: 22028876, 22718755, 22799562). In addition, missense substitutions within the ACVRL1 ectodomain affecting cysteine residues are overrepresented in patients with HHT (PMID: 20501893, 26176610 and an online resource). This variant disrupts the p.Cys90 amino acid residue in ACVRL1. Other variant(s) that disrupt this residue have been observed in individuals with ACVRL1-related conditions (PMID: 16705692; internal data), which suggests that this may be a clinically significant amino acid residue. For these reasons, this variant has been classified as Pathogenic.

Ambry Genetics
Classification: Pathogenic for Cardiovascular phenotype. Last evaluated: 2020-10-05. Review status: criteria provided, single submitter. Criteria: Ambry Variant Classification Scheme 2023. Collection method: clinical testing. Allele origin: germline.
Comment: The p.C90W pathogenic mutation (also known as c.270C>G), located in coding exon 2 of the ACVRL1 gene, results from a C to G substitution at nucleotide position 270. The cysteine at codon 90 is replaced by tryptophan, an amino acid with highly dissimilar properties. This alteration has been reported in an individual with epistaxis, telangiectases, hepatic arteriovenous malformation (AVM), and family history of suspected hereditary hemorrhagic telangiectasia (HHT) (Komiyama M et al. J. Hum. Genet., 2014 Jan;59:37-41; personal communication). Based on internal structural analysis, C90W disrupts a structurally important disulfide bond at a position with internal pathogenic variants (Townson SA et al. J. Biol. Chem., 2012 Aug;287:27313-25). Two other alterations at the same codon, p.C90Y (c.269G>A) and p.C90F (c.269G>T), have been described in individuals with suspected or confirmed HHT (Lesca G et al. Hum. Mutat., 2006 Jun;27:598; Gedge F et al. J Mol Diagn, 2007 Apr;9:258-65; Goulielmos GN et al. IJNTR, 2016 Feb;2(1):32-6). This variant was not reported in population-based cohorts in the Genome Aggregation Database (gnomAD). In addition, this alteration is predicted to be deleterious by in silico analysis. Based on the supporting evidence, this alteration is interpreted as a disease-causing mutation.

Literature cited by the submitters: PubMed 24196379 (cited by Labcorp Genetics (formerly Invitae), Labcorp and Ambry Genetics); PubMed 22028876 (cited by Labcorp Genetics (formerly Invitae), Labcorp); PubMed 22718755 (cited by Labcorp Genetics (formerly Invitae), Labcorp and Ambry Genetics); PubMed 22799562 (cited by Labcorp Genetics (formerly Invitae), Labcorp); PubMed 20501893 (cited by Labcorp Genetics (formerly Invitae), Labcorp); PubMed 26176610 (cited by Labcorp Genetics (formerly Invitae), Labcorp); PubMed 16705692 (cited by Labcorp Genetics (formerly Invitae), Labcorp and Ambry Genetics); PubMed 17384219 (cited by Ambry Genetics).

NM_000020.3(ACVRL1):c.270C>G (p.Cys90Trp)

Gene: ACVRL1 (activin A receptor like type 1; plus strand). Cytogenetic location: 12q13.13.
Variant type: single nucleotide variant.
Coding change: c.270C>G on transcript NM_000020.3 (MANE Select); coding-DNA position 270, C replaced by G.
Protein change: p.Cys90Trp; replaces cysteine 90 with tryptophan.
Molecular consequence: missense variant.
Genome position (GRCh38, 1-based): chr12:51,913,307, C>G. VCF-style: chr12-51913307-C-G. GRCh37 (hg19) VCF-style: chr12-52307091-C-G.
Other names: c.270C>G, p.Cys90Trp (NM_001077401.2, NM_001406487.1, NM_001406488.1 and 6 more transcripts); short protein forms C90W.
Identifiers: ClinVar variation 1795042 (VCV001795042.7), dbSNP rs556168617, ClinGen allele CA384898044.